The following is an entry in ClinVar:

ClinVar aggregate classification (germline): Uncertain significance (1 of 4 stars; one submission).

Conditions:
Hereditary cancer-predisposing syndrome. Also called: Hereditary neoplastic syndrome; Hereditary Cancer Syndrome; Neoplastic Syndromes, Hereditary; Tumor predisposition. Identifiers: Orphanet 140162, MedGen C0027672, MeSH D009386, MONDO:0015356.

Submission:

Ambry Genetics
Classification: Uncertain significance for Hereditary cancer-predisposing syndrome. Last evaluated: 2025-11-05. Review status: criteria provided, single submitter. Criteria: Ambry Variant Classification Scheme 2023. Collection method: clinical testing. Allele origin: germline.
Comment: The c.212-1G>C intronic variant results from a G to C substitution one nucleotide upstream from coding exon 4 of the PALB2 gene. This nucleotide position is highly conserved in available vertebrate species. In silico splice site analysis predicts that this alteration will weaken the native splice acceptor site and may result in the creation or strengthening of a novel splice acceptor site. The resulting transcript is predicted to be in-frame and is not expected to trigger nonsense-mediated mRNA decay; however, direct evidence is insufficient at this time (Ambry internal data). Since supporting evidence is limited at this time, the clinical significance of this alteration remains unclear.

NM_024675.4(PALB2):c.212-1G>C

Gene: PALB2 (partner and localizer of BRCA2; minus strand). Cytogenetic location: 16p12.2.
Variant type: single nucleotide variant.
Coding change: c.212-1G>C on transcript NM_024675.4 (MANE Select); the canonical splice acceptor site of the intron before coding-DNA position 212, G replaced by C.
Molecular consequence: splice acceptor variant. On other transcripts: intron variant (3).
Genome position (GRCh38, 1-based): chr16:23,636,335, C>G on the plus strand (G>C on the coding strand, the complement: PALB2 is on the minus strand). VCF-style: chr16-23636335-C-G. GRCh37 (hg19) VCF-style: chr16-23647656-C-G.
Other names: c.-674-1G>C (NM_001407308.1, NM_001407306.1, NM_001407307.1 and 5 more transcripts); c.48+4775G>C (NM_001407314.1); c.-105+4775G>C (NM_001407313.1, NM_001407312.1); c.152-1G>C (NM_001407296.1); c.212-1G>C (NM_001407297.1, NM_001407302.1, NM_001407298.1 and 3 more transcripts).
Identifiers: ClinVar variation 2567552 (VCV002567552.3), dbSNP rs1597099910, ClinGen allele CA395138997.